The following is an entry in ClinVar:

NM_000100.4(CSTB):c.221C>T (p.Pro74Leu)

Gene: CSTB (cystatin B; minus strand). Cytogenetic location: 21q22.3.
Variant type: single nucleotide variant.
Coding change: c.221C>T on transcript NM_000100.4 (MANE Select); coding-DNA position 221, C replaced by T.
Protein change: p.Pro74Leu; replaces proline 74 with leucine.
Molecular consequence: missense variant.
Genome position (GRCh38, 1-based): chr21:43,774,278, G>A on the plus strand (C>T on the coding strand, the complement: CSTB is on the minus strand). VCF-style: chr21-43774278-G-A. GRCh37 (hg19) VCF-style: chr21-45194159-G-A.
Other names: short protein forms P74L.
Identifiers: ClinVar variation 666012 (VCV000666012.6), dbSNP rs753004113, ClinGen allele CA10048868.

ClinVar aggregate classification (germline): Uncertain significance (1 of 4 stars; one submission).

Conditions:
Progressive myoclonic epilepsy. Also called: Myoclonus epilepsy; Progressive myoclonus epilepsy; Familial progressive myoclonic epilepsy; Myoclonic Epilepsies, Progressive. Identifiers: Orphanet 308, Orphanet 98261, MedGen C0751778, MONDO:0020074.

Allele frequency attached by ClinVar (database versions not stated): gnomAD exomes below 0.00001 and 0.00001; ExAC 0.00002; gnomAD 0.00004; TOPMed 0.00006.
gnomAD v4.1: 10 of 1,614,098 alleles (0.00062%); highest among the groups gnomAD compares: African/African-American, 0.012%; no homozygotes.

Submission:

Labcorp Genetics (formerly Invitae), Labcorp
Classification: Uncertain significance for Progressive myoclonic epilepsy. Last evaluated: 2022-08-09. Review status: criteria provided, single submitter. Criteria: Invitae Variant Classification Sherloc (09022015). Collection method: clinical testing. Allele origin: germline.
Comment: This sequence change replaces proline, which is neutral and non-polar, with leucine, which is neutral and non-polar, at codon 74 of the CSTB protein (p.Pro74Leu). This variant is present in population databases (rs753004113, gnomAD 0.01%). This variant has not been reported in the literature in individuals affected with CSTB-related conditions. ClinVar contains an entry for this variant (Variation ID: 666012). Algorithms developed to predict the effect of missense changes on protein structure and function are either unavailable or do not agree on the potential impact of this missense change (SIFT: "Deleterious"; PolyPhen-2: "Benign"; Align-GVGD: "Class C0"). In summary, the available evidence is currently insufficient to determine the role of this variant in disease. Therefore, it has been classified as a Variant of Uncertain Significance.